The following is an entry in ClinVar:

ClinVar aggregate classification (germline): Uncertain significance (1 of 4 stars; one submission).

Submission:

Labcorp Genetics (formerly Invitae), Labcorp
Classification: Uncertain significance. Last evaluated: 2023-07-19. Review status: criteria provided, single submitter. Criteria: Invitae Variant Classification Sherloc (09022015). Collection method: clinical testing. Allele origin: germline.
Comment: An algorithm developed to predict the effect of missense changes on protein structure and function (PolyPhen-2) suggests that this variant is likely to be disruptive. This variant has not been reported in the literature in individuals affected with DHX32-related conditions. This variant is not present in population databases (gnomAD no frequency). This sequence change replaces glutamic acid, which is acidic and polar, with glycine, which is neutral and non-polar, at codon 460 of the DHX32 protein (p.Glu460Gly). In summary, the available evidence is currently insufficient to determine the role of this variant in disease. Therefore, it has been classified as a Variant of Uncertain Significance.

NM_018180.3(DHX32):c.1379A>G (p.Glu460Gly)

Genes: BCCIP (BRCA2 and CDKN1A interacting protein; plus strand), DHX32 (DEAH-box helicase 32 (putative); minus strand). Cytogenetic location: 10q26.2.
Variant type: single nucleotide variant.
Coding change: c.1379A>G on transcript NM_018180.3 (MANE Select); coding-DNA position 1379, A replaced by G.
Protein change: p.Glu460Gly; replaces glutamic acid 460 with glycine.
Molecular consequence: missense variant. On other transcripts: 3 prime UTR variant (1), intron variant (1).
Genome position (GRCh38, 1-based): chr10:125,841,907, T>C on the plus strand (A>G on the coding strand, the complement: DHX32 is on the minus strand). VCF-style: chr10-125841907-T-C. GRCh37 (hg19) VCF-style: chr10-127530476-T-C.
Other names: c.*548T>C (NM_078469.3); c.850+577T>C (NM_016567.4); short protein forms E460G.
Identifiers: ClinVar variation 2745454 (VCV002745454.3), dbSNP rs2494384553, ClinGen allele CA378674406.
Genomic context (GRCh38, chr10:125,841,907, plus strand): 5'-ATGATTCCAAATTCAGAAAGATTTCCATCATTATCCAGTGCTGCCAGATAATCTAAGTCT[T>C]CCAATGCCTGCATCAAACTTTCTGGTGCTAGGAAAGGAAAAAAATAATAATTTAAGAGTC-3'
Protein context (NP_060650.2, residues 450-470): PAPESLMQAL[Glu460Gly]DLDYLAALDN